The following is an entry in ClinVar:

ClinVar aggregate classification (germline): Pathogenic. Review status: criteria provided, single submitter (1 of 4 stars). 2 submissions from 2 submitters: Pathogenic (1). 1 of the submissions does not count toward it. Last evaluated 2022-11-27.

Conditions:
Alzheimer disease. Also called: Alzheimer's disease; Presenile and senile dementia. Identifiers: Orphanet 1020, MedGen C0002395, MeSH D000544, MONDO:0004975, HP:0002511.

Submissions (2):

Labcorp Genetics (formerly Invitae), Labcorp
Classification: Pathogenic for Alzheimer disease. Last evaluated: 2022-11-27. Review status: criteria provided, single submitter. Criteria: Invitae Variant Classification Sherloc (09022015). Collection method: clinical testing. Allele origin: germline.
Comment: This variant disrupts the p.Ile716 amino acid residue in APP. Other variant(s) that disrupt this residue have been determined to be pathogenic (PMID: 9328472, 11487570, 18667258, 20452985, 24117942). This suggests that this residue is clinically significant, and that variants that disrupt this residue are likely to be disease-causing. Experimental studies have shown that this missense change affects APP function (PMID: 24117942). Advanced modeling of protein sequence and biophysical properties (such as structural, functional, and spatial information, amino acid conservation, physicochemical variation, residue mobility, and thermodynamic stability) performed at Invitae indicates that this missense variant is expected to disrupt APP protein function. ClinVar contains an entry for this variant (Variation ID: 98240). For these reasons, this variant has been classified as Pathogenic. This missense change has been observed in individuals with Alzheimer disease (PMID: 12392798, 31914229). This variant is not present in population databases (gnomAD no frequency). This sequence change replaces isoleucine, which is neutral and non-polar, with threonine, which is neutral and polar, at codon 716 of the APP protein (p.Ile716Thr).

VIB  Department of Molecular Genetics, University of Antwerp
No classification provided. Review status: no classification provided. Collection method: not provided. Allele origin: not provided. Not counted in ClinVar's aggregate classification.

Literature cited by the submitters: PubMed 9328472 (cited by Labcorp Genetics (formerly Invitae), Labcorp); PubMed 11487570 (cited by Labcorp Genetics (formerly Invitae), Labcorp); PubMed 18667258 (cited by Labcorp Genetics (formerly Invitae), Labcorp); PubMed 20452985 (cited by Labcorp Genetics (formerly Invitae), Labcorp); PubMed 24117942 (cited by Labcorp Genetics (formerly Invitae), Labcorp); PubMed 12392798 (cited by Labcorp Genetics (formerly Invitae), Labcorp); PubMed 31914229 (cited by Labcorp Genetics (formerly Invitae), Labcorp).

NM_000484.4(APP):c.2147T>C (p.Ile716Thr)

Gene: APP (amyloid beta precursor protein; minus strand). Cytogenetic location: 21q21.3.
Variant type: single nucleotide variant.
Coding change: c.2147T>C on transcript NM_000484.4 (MANE Select); coding-DNA position 2147, T replaced by C.
Protein change: p.Ile716Thr; replaces isoleucine 716 with threonine.
Molecular consequence: missense variant.
Genome position (GRCh38, 1-based): chr21:25,891,786, A>G on the plus strand (T>C on the coding strand, the complement: APP is on the minus strand). VCF-style: chr21-25891786-A-G. GRCh37 (hg19) VCF-style: chr21-27264098-A-G.
Other names: c.2075T>C, p.Ile692Thr (NM_001136016.3); c.1754T>C, p.Ile585Thr (NM_001136129.3); c.1979T>C, p.Ile660Thr (NM_001136130.3, NM_001385253.1); c.1817T>C, p.Ile606Thr (NM_001136131.3); c.2093T>C, p.Ile698Thr (NM_001204301.2); c.2036T>C, p.Ile679Thr (NM_001204302.2); c.1868T>C, p.Ile623Thr (NM_001204303.2); c.2090T>C, p.Ile697Thr (NM_201413.3); and 1 more; short protein forms I716T, I623T, I585T, I660T, I641T, I692T, I697T, I698T.
Identifiers: ClinVar variation 98240 (VCV000098240.4), dbSNP rs63750851, ClinGen allele CA225511.